The following is an entry in ClinVar:

ClinVar aggregate classification (germline): Uncertain significance (0 of 4 stars; one submission).

Conditions:
Carcinoma of colon (CRC). Also called: Colon carcinoma; Colonic carcinoma. Identifiers: MedGen C0699790, MONDO:0002032.

Submission:

Department of Pathology and Laboratory Medicine, Sinai Health System
Classification: Uncertain significance for Carcinoma of colon. Review status: no assertion criteria provided. Collection method: clinical testing. Allele origin: unknown. Affected: yes. Study: The Canadian Open Genetics Repository (COGR).
Comment: The APC p.Gly635Glu variant was not identified in the literature nor was it identified in the following databases: dbSNP, ClinVar, Cosmic, MutDB, UMD-LSDB, Insight Colon Cancer Gene Variant Database, or Zhejiang Colon Cancer Database. The variant was not identified in the 1000 Genomes Project, the NHLBI GO Exome Sequencing Project or the Exome Aggregation Consortium (August 8th 2016) control databases. The p.Gly635 residue is conserved across mammals but not lower organisms, and four out of five computational analyses (PolyPhen-2, SIFT, AlignGVGD, BLOSUM, MutationTaster) suggest that the Glutamic acid variant may impact the protein; however, this information is not predictive enough to assume pathogenicity. The variant occurs outside of the splicing consensus sequence and 3 of 5 in silico or computational prediction software programs (SpliceSiteFinder, MaxEntScan, NNSPLICE, GeneSplicer, HumanSpliceFinder) predict a greater than 10% difference in splicing. However, this information is not predictive enough to assume pathogenicity. In summary, based on the above information the clinical significance of this variant cannot be determined with certainty at this time. This variant is classified as a variant of uncertain significance.

NM_000038.6(APC):c.1904G>A (p.Gly635Glu)

Gene: APC (APC regulator of Wnt signaling pathway; plus strand). Cytogenetic location: 5q22.2.
Variant type: single nucleotide variant.
Coding change: c.1904G>A on transcript NM_000038.6 (MANE Select); coding-DNA position 1904, G replaced by A.
Protein change: p.Gly635Glu; replaces glycine 635 with glutamic acid.
Molecular consequence: missense variant.
Genome position (GRCh38, 1-based): chr5:112,835,111, G>A. VCF-style: chr5-112835111-G-A. GRCh37 (hg19) VCF-style: chr5-112170808-G-A.
Other names: c.1904G>A, p.Gly635Glu (NM_001127510.3, NM_001354895.2); c.1850G>A, p.Gly617Glu (NM_001127511.3); c.1958G>A, p.Gly653Glu (NM_001354896.2); c.1934G>A, p.Gly645Glu (NM_001354897.2); c.1829G>A, p.Gly610Glu (NM_001354898.2); c.1820G>A, p.Gly607Glu (NM_001354899.2); c.1781G>A, p.Gly594Glu (NM_001354900.2); c.1727G>A, p.Gly576Glu (NM_001354901.2); and 5 more; short protein forms G617E, G635E, G645E, G594E, G610E, G352E, G607E, G475E.
Identifiers: ClinVar variation 433629 (VCV000433629.2), dbSNP rs730881239, ClinGen allele CA16025483.